The following is an entry in ClinVar:

NM_001606.5(ABCA2):c.4440G>A (p.Pro1480=)

Gene: ABCA2 (ATP binding cassette subfamily A member 2; minus strand). Cytogenetic location: 9q34.3.
Variant type: single nucleotide variant.
Coding change: c.4440G>A on transcript NM_001606.5 (MANE Select); coding-DNA position 4440, G replaced by A.
Protein change: p.Pro1480=; no amino-acid change (proline 1480 retained).
Molecular consequence: synonymous variant.
Genome position (GRCh38, 1-based): chr9:137,013,839, C>T on the plus strand (G>A on the coding strand, the complement: ABCA2 is on the minus strand). VCF-style: chr9-137013839-C-T. GRCh37 (hg19) VCF-style: chr9-139908291-C-T.
Other names: c.4437G>A, p.Pro1479= (NM_001411042.1); c.4530G>A, p.Pro1510= (NM_212533.3).
Identifiers: ClinVar variation 3257700 (VCV003257700.17).
Genomic context (GRCh38, chr9:137,013,839, plus strand): 5'-AGCGGGCGGTGGGGGGAGGCAAGCCCAGCACCCCTGTCCAGCCGGTGGCCTACCAATCTC[C>T]GGGACGGACAGGGCCACGGTCATGGCCACGCAGACGAAGAAGGCTGGCAGCAAGATCTGG-3'
Protein context (NP_001597.2, residues 1470-1490): CVAMTVALSV[Pro1480=]EIGDLPPLVL

ClinVar aggregate classification (germline): Likely benign (1 of 4 stars; one submission).

gnomAD v4.1: 841 of 1,605,618 alleles (0.052%); highest among the groups gnomAD compares: Middle Eastern, 0.13%; no homozygotes.

Submission:

CeGaT Center for Human Genetics Tuebingen
Classification: Likely benign. Last evaluated: 2024-07-01. Review status: criteria provided, single submitter. Criteria: CeGaT Center For Human Genetics Tuebingen Variant Classification Criteria Version 2. Collection method: clinical testing. Allele origin: germline. Affected: yes. Observed: 1 variant allele.
Comment: ABCA2: BP4, BP7